The following is an entry in ClinVar:

ClinVar aggregate classification (germline): Pathogenic (1 of 4 stars; one submission).

Conditions:
Nemaline myopathy 10 (NEM10). Identifiers: MedGen C4015360, MONDO:0014513, OMIM 616165.

Submission:

Labcorp Genetics (formerly Invitae), Labcorp
Classification: Pathogenic for Nemaline myopathy 10. Last evaluated: 2021-06-12. Review status: criteria provided, single submitter. Criteria: Invitae Variant Classification Sherloc (09022015). Collection method: clinical testing. Allele origin: germline.
Comment: For these reasons, this variant has been classified as Pathogenic. This variant has not been reported in the literature in individuals with LMOD3-related conditions. This variant is not present in population databases (ExAC no frequency). This sequence change creates a premature translational stop signal (p.Arg398Glyfs*19) in the LMOD3 gene. It is expected to result in an absent or disrupted protein product. Loss-of-function variants in LMOD3 are known to be pathogenic (PMID: 25250574).

Literature cited by the submitters: PubMed 25250574.

NM_198271.5(LMOD3):c.1192del (p.Arg398fs)

Gene: LMOD3 (leiomodin 3; minus strand). Cytogenetic location: 3p14.1.
Variant type: Deletion.
Coding change: c.1192del on transcript NM_198271.5 (MANE Select); coding-DNA position 1192, one base deleted (A; older notation c.1192delA).
Protein change: p.Arg398fs; shifts the reading frame from arginine 398.
Molecular consequence: frameshift variant.
Genome position (GRCh38, 1-based): chr3:69,119,163, T deleted on the plus strand (A on the coding strand, the reverse complement: LMOD3 is on the minus strand); the first of 3 consecutive T bases (chr3:69,119,163-69,119,165); deleting any one gives the same sequence. VCF-style (leftmost placement, unchanged base first): chr3-69119162-CT-C. GRCh37 (hg19) VCF-style: chr3-69168313-CT-C.
Other names: c.1192del, p.Arg398fs (NM_001304418.3); short protein forms R398fs.
Identifiers: ClinVar variation 1354391 (VCV001354391.6), dbSNP rs2107526137, ClinGen allele CA2573137454.